The following is an entry in ClinVar:

ClinVar aggregate classification (germline): Pathogenic (1 of 4 stars; one submission).

Conditions:
Kartagener syndrome (CILD1). Also called: CILIARY DYSKINESIA, PRIMARY, 1; CILIARY DYSKINESIA, PRIMARY, 1, WITH OR WITHOUT SITUS INVERSUS; IMMOTILE CILIA SYNDROME; POLYNESIAN BRONCHIECTASIS; Dextrocardia bronchiectasis and sinusitis; SIEWERT SYNDROME. Identifiers: Orphanet 244, MedGen C4551906, MONDO:0009484, OMIM 244400.

Submission:

Myriad Genetics, Inc.
Classification: Pathogenic for Kartagener syndrome. Last evaluated: 2024-05-14. Review status: criteria provided, single submitter. Criteria: Myriad Autosomal Dominant, Autosomal Recessive and X-Linked Classification Criteria (2023). Collection method: clinical testing. Allele origin: unknown.
Comment: NM_012144.2(DNAI1):c.1408_1409ins11(L470Qfs*8) is expected to be pathogenic in the context of primary ciliary dyskinesia, DNAI1-related. This variant is predicted to lead to an abnormal or absent protein product due to the creation of a premature termination codon in DNAI1, a gene where loss-of-function variants are known to be pathogenic. Please note: this variant was assessed in the context of healthy population screening.

NM_012144.4(DNAI1):c.1408_1409insAGAAGACGGCA (p.Leu470fs)

Gene: DNAI1 (dynein axonemal intermediate chain 1; plus strand). Cytogenetic location: 9p13.3.
Variant type: Insertion.
Coding change: c.1408_1409insAGAAGACGGCA on transcript NM_012144.4 (MANE Select); coding-DNA positions 1408 to 1409, AGAAGACGGCA inserted.
Protein change: p.Leu470fs; shifts the reading frame from leucine 470.
Molecular consequence: frameshift variant.
Genome position: GRCh38 VCF-style: chr9-34512343-C-CAGAAGACGGCA. GRCh37 (hg19) VCF-style: chr9-34512341-C-CAGAAGACGGCA.
Other names: c.1420_1421insAGAAGACGGCA, p.Leu474fs (NM_001281428.2); short protein forms L470fs, L474fs.
Identifiers: ClinVar variation 5016367 (VCV005016367.1).